The following is an entry in ClinVar:

NM_017617.5(NOTCH1):c.128C>T (p.Thr43Met)

Gene: NOTCH1 (notch receptor 1; minus strand). Cytogenetic location: 9q34.3.
Variant type: single nucleotide variant.
Coding change: c.128C>T on transcript NM_017617.5 (MANE Select); coding-DNA position 128, C replaced by T.
Protein change: p.Thr43Met; replaces threonine 43 with methionine.
Molecular consequence: missense variant.
Genome position (GRCh38, 1-based): chr9:136,544,036, G>A on the plus strand (C>T on the coding strand, the complement: NOTCH1 is on the minus strand). VCF-style: chr9-136544036-G-A. GRCh37 (hg19) VCF-style: chr9-139438488-G-A.
Other names: c.128C>T, p.Thr43Met (LRG_1122t1); short protein forms T43M.
Identifiers: ClinVar variation 450445 (VCV000450445.9), dbSNP rs371103280, ClinGen allele CA5342252.

ClinVar aggregate classification (germline): Conflicting classifications of pathogenicity. Review status: criteria provided, conflicting classifications (1 of 4 stars). 3 submissions from 3 submitters: Uncertain significance (2); Likely benign (1). Last evaluated 2025-12-11.

Conditions:
Adams-Oliver syndrome 5 (AOS5). Identifiers: Orphanet 974, MedGen C4014970, MONDO:0014459, OMIM 616028.
Familial thoracic aortic aneurysm and aortic dissection (TAAD). Also called: Thoracic aortic aneurysms and dissections. Identifiers: Orphanet 91387, MedGen C4707243, MONDO:0019625.

Allele frequency attached by ClinVar (database versions not stated): TOPMed below 0.00001; gnomAD 0.00001 and 0.00002; ExAC 0.00004; ESP Exome Variant Server 0.00008.
gnomAD v4.1: 19 of 1,573,664 alleles (0.0012%); highest among the groups gnomAD compares: East Asian, 0.021%; no homozygotes.

Submissions (3):

Ambry Genetics
Classification: Uncertain significance for Familial thoracic aortic aneurysm and aortic dissection. Last evaluated: 2025-12-11. Review status: criteria provided, single submitter. Criteria: Ambry Variant Classification Scheme 2023. Collection method: clinical testing. Allele origin: germline.

Labcorp Genetics (formerly Invitae), Labcorp
Classification: Likely benign for Adams-Oliver syndrome 5. Last evaluated: 2025-08-06. Review status: criteria provided, single submitter. Criteria: Invitae Variant Classification Sherloc (09022015). Collection method: clinical testing. Allele origin: germline.

GeneDx
Classification: Uncertain significance. Last evaluated: 2021-11-05. Review status: criteria provided, single submitter. Criteria: GeneDx Variant Classification Process June 2021. Collection method: clinical testing. Allele origin: germline. Affected: yes.
Comment: Has not been previously published as pathogenic or benign to our knowledge; Not observed at significant frequency in large population cohorts (Lek et al., 2016); In silico analysis supports that this missense variant does not alter protein structure/function